The following is an entry in ClinVar:

NM_006267.5(RANBP2):c.1755G>T (p.Thr585=)

Gene: RANBP2 (RAN binding protein 2; plus strand). Cytogenetic location: 2q13.
Variant type: single nucleotide variant.
Coding change: c.1755G>T on transcript NM_006267.5 (MANE Select); coding-DNA position 1755, G replaced by T.
Protein change: p.Thr585=; no amino-acid change (threonine 585 retained).
Molecular consequence: synonymous variant.
Genome position (GRCh38, 1-based): chr2:108,751,994, G>T. VCF-style: chr2-108751994-G-T. GRCh37 (hg19) VCF-style: chr2-109368450-G-T.
Identifiers: ClinVar variation 1063762 (VCV001063762.5), dbSNP rs1558903324, ClinGen allele CA427909183.

ClinVar aggregate classification (germline): Uncertain significance (1 of 4 stars; one submission).

Conditions:
Familial acute necrotizing encephalopathy (IIAE3). Also called: ENCEPHALOPATHY, ACUTE, INFECTION-INDUCED, SUSCEPTIBILITY TO, 3; Susceptibility to Acute Necrotizing Encephalopathy 1. Identifiers: Orphanet 88619, MedGen C2675556, MONDO:0011953, OMIM 608033.

Submission:

Labcorp Genetics (formerly Invitae), Labcorp
Classification: Uncertain significance for Familial acute necrotizing encephalopathy. Last evaluated: 2020-04-24. Review status: criteria provided, single submitter. Criteria: Invitae Variant Classification Sherloc (09022015). Collection method: clinical testing. Allele origin: germline.
Comment: This sequence change affects codon 585 of the RANBP2 mRNA. It is a 'silent' change, meaning that it does not change the encoded amino acid sequence of the RANBP2 protein. This variant also falls at the last nucleotide of exon 12 of the RANBP2 coding sequence, which is part of the consensus splice site for this exon. This variant is not present in population databases (ExAC no frequency). This variant has not been reported in the literature in individuals with RANBP2-related conditions. Nucleotide substitutions within the consensus splice site are a relatively common cause of aberrant splicing (PMID: 17576681, 9536098). Algorithms developed to predict the effect of sequence changes on RNA splicing suggest that this variant may disrupt the consensus splice site, but this prediction has not been confirmed by published transcriptional studies. In summary, the available evidence is currently insufficient to determine the role of this variant in disease. Therefore, it has been classified as a Variant of Uncertain Significance.

Literature cited by the submitters: PubMed 17576681; PubMed 9536098.